The following is an entry in ClinVar:

NM_001608.4(ACADL):c.37C>T (p.Leu13=)

Gene: ACADL (acyl-CoA dehydrogenase long chain; minus strand). Cytogenetic location: 2q34.
Variant type: single nucleotide variant.
Coding change: c.37C>T on transcript NM_001608.4 (MANE Select); coding-DNA position 37, C replaced by T.
Protein change: p.Leu13=; no amino-acid change (leucine 13 retained).
Molecular consequence: synonymous variant.
Genome position (GRCh38, 1-based): chr2:210,225,227, G>A on the plus strand (C>T on the coding strand, the complement: ACADL is on the minus strand). VCF-style: chr2-210225227-G-A. GRCh37 (hg19) VCF-style: chr2-211089951-G-A.
Identifiers: ClinVar variation 3035587 (VCV003035587.2), dbSNP rs575405475, ClinGen allele CA2085144.
Genomic context (GRCh38, chr2:210,225,227, plus strand): 5'-AAGTCCCGGCTGGCACTCACCGCGCGGCGGGCAGCTGGCGCGGCGCACGGTGGCCGCCCA[G>A]GACGCGTAGGGACCCTCGGAGAAGGCGTGCGGCCATGTCCGAAACACAGGGGCGGCGGGG-3'
Protein context (NP_001599.1, residues 3-23): ARLLRGSLRV[Leu13=]GGHRAPRQLP

ClinVar aggregate classification (germline): Likely benign (0 of 4 stars; one submission).

Conditions:
ACADL-related disorder. Also called: ACADL-related condition.

Allele frequency attached by ClinVar (database versions not stated): gnomAD exomes 0.00002; TOPMed 0.00026; gnomAD 0.00042; 1000 Genomes Project 30x 0.00047.
gnomAD v4.1: 93 of 1,552,204 alleles (0.006%); highest among the groups gnomAD compares: African/African-American, 0.11%; no homozygotes.

Submission:

PreventionGenetics, part of Exact Sciences
Classification: Likely benign for ACADL-related condition. Last evaluated: 2019-08-12. Review status: no assertion criteria provided. Collection method: clinical testing. Allele origin: germline.
Comment: This variant is classified as likely benign based on ACMG/AMP sequence variant interpretation guidelines (Richards et al. 2015 PMID: 25741868, with internal and published modifications).